The following is an entry in ClinVar:

NC_012920.1(MT-ND5):m.12397A>G

Gene: MT-ND5 (mitochondrially encoded NADH dehydrogenase 5; plus strand).
Variant type: single nucleotide variant.
Genome position: chrM-12397-A-G.
Other names: 12397A-G.
Identifiers: ClinVar variation 9705 (VCV000009705.2), dbSNP rs1556424100, ClinGen allele CA254856.

ClinVar aggregate classification (germline): Benign. Review status: criteria provided, single submitter (1 of 4 stars). 2 submissions from 2 submitters: Benign (1). 1 of the submissions does not count toward it. Last evaluated 2019-10-17.

Conditions:
Leigh syndrome (NULS). Also called: Leigh's syndrome; Leigh Disease; Leigh's necrotizing encephalopathy; Leigh's disease; Subacute necrotizing encephalopathy; Necrotizing encephalopathy infantile subacute of Leigh. Identifiers: Orphanet 506, MedGen C2931891, MONDO:0009723, OMIM 256000.
Autosomal recessive early-onset Parkinson disease 6 (PARK6). Also called: PINK1 Type of Young-Onset Parkinson Disease; PARKINSON DISEASE 6, EARLY-ONSET; PARKINSON DISEASE 6, MODIFIER OF; PINK1-Related Parkinson Disease. Identifiers: Orphanet 2828, MedGen C1853833, MONDO:0011613, OMIM 605909.

Submissions (2):

Wong Mito Lab, Molecular and Human Genetics, Baylor College of Medicine
Classification: Benign for Leigh syndrome. Last evaluated: 2019-10-17. Review status: criteria provided, single submitter. Criteria: Modified ACMG Guidelines (Unpublished). Collection method: clinical testing. Allele origin: germline.
Comment: The NC_012920.1:m.12397A>G (YP_003024036.1:p.Thr21Ala) variant in MTND5 gene is interpretated to be a Benign variant based on the modified ACMG guidelines (unpublished). This variant meets the following evidence codes: BA1

OMIM
Classification: risk factor for PARKINSON DISEASE 6, MODIFIER OF. Last evaluated: 2008-09-01. Review status: no assertion criteria provided. Collection method: literature only. Allele origin: germline. Not counted in ClinVar's aggregate classification.

Literature cited by the submitters: PubMed 18524835 (cited by OMIM).